The following is an entry in ClinVar:

ClinVar aggregate classification (germline): Uncertain significance (1 of 4 stars; one submission).

Conditions:
Hereditary cancer-predisposing syndrome. Also called: Tumor predisposition; Hereditary Cancer Syndrome; Hereditary neoplastic syndrome; Neoplastic Syndromes, Hereditary. Identifiers: Orphanet 140162, MedGen C0027672, MeSH D009386, MONDO:0015356.

Submission:

Ambry Genetics
Classification: Uncertain significance for Hereditary cancer-predisposing syndrome. Last evaluated: 2024-04-16. Review status: criteria provided, single submitter. Criteria: Ambry Variant Classification Scheme 2023. Collection method: clinical testing. Allele origin: germline.
Comment: The c.1133_1135delGAAinsAAC variant (also known as p.R378K), located in coding exon 4 of the MSH6 gene, results from an in-frame deletion of GAA and insertion of AAC at nucleotide positions 1133 to 1135. This results in the substitution of the arginine residue for a lysine residue at codon 378, an amino acid with highly similar properties. This amino acid position is highly conserved in available vertebrate species. In addition, this alteration is predicted to be neutral by in silico analysis (Choi Y et al. PLoS ONE. 2012; 7(10):e46688). Based on the available evidence, the clinical significance of this variant remains unclear.

NM_000179.3(MSH6):c.1133_1135delinsAAC (p.Arg378Lys)

Gene: MSH6 (mutS homolog 6; plus strand). Cytogenetic location: 2p16.3.
Variant type: Indel.
Coding change: c.1133_1135delinsAAC on transcript NM_000179.3 (MANE Select); coding-DNA positions 1133 to 1135, GAA replaced by AAC.
Protein change: p.Arg378Lys; replaces arginine 378 with lysine.
Molecular consequence: missense variant. On other transcripts: non-coding transcript variant (4), intron variant (1).
Genome position (GRCh38, 1-based): chr2:47,799,116-47,799,118, GAA replaced by AAC. VCF-style: chr2-47799116-GAA-AAC. GRCh37 (hg19) VCF-style: chr2-48026255-GAA-AAC.
Other names: c.743_745delinsAAC, p.Arg248Lys (NM_001281492.2); c.227_229delinsAAC, p.Arg76Lys (NM_001281493.2, NM_001281494.2, NM_001406811.1 and 6 more transcripts); c.1229_1231delinsAAC, p.Arg410Lys (NM_001406795.1, NM_001406802.1); c.1133_1135delinsAAC, p.Arg378Lys (NM_001406796.1, NM_001406798.1, NM_001406800.1 and 4 more transcripts); c.836_838delinsAAC, p.Arg279Lys (NM_001406797.1, NM_001406801.1, NM_001406805.1 and 10 more transcripts); c.608_610delinsAAC, p.Arg203Lys (NM_001406799.1, NM_001406806.1, NM_001406807.1); c.1055_1057delinsAAC, p.Arg352Lys (NM_001406804.1); c.1139_1141delinsAAC, p.Arg380Lys (NM_001406813.1); and 2 more; short protein forms R279K, R76K, R378K, R410K, R248K, R322K, R352K, R203K.
Identifiers: ClinVar variation 3296367 (VCV003296367.1).
Genomic context (GRCh38, chr2:47,799,116, plus strand): 5'-ACAGTAGTCGCCCTACTGTTTGGTATCATGAAACTTTAGAATGGCTTAAGGAGGAAAAGA[GAA>AAC]GAGATGAGCACAGGAGGAGGCCTGATCACCCCGATTTTGATGCATCTACACTCTATGTGC-3'
Protein context (NP_000170.1, residues 368-388): ETLEWLKEEK[Arg378Lys]RDEHRRRPDH